The following is an entry in ClinVar:

ClinVar aggregate classification (germline): Likely benign. Review status: criteria provided, multiple submitters, no conflicts (2 of 4 stars). 2 submissions from 2 submitters: Likely benign (2). Last evaluated 2024-05-15.

Conditions:
Brugada syndrome 5 (BRGDA5). Identifiers: Orphanet 130, Orphanet 871, MedGen C2748541, MONDO:0013015, OMIM 612838.

Allele frequency attached by ClinVar (database versions not stated): gnomAD exomes below 0.00001; ExAC 0.00001; gnomAD 0.00001; TOPMed 0.00002.

Submissions (2):

Labcorp Genetics (formerly Invitae), Labcorp
Classification: Likely benign for Brugada syndrome 5. Last evaluated: 2024-05-15. Review status: criteria provided, single submitter. Criteria: Invitae Variant Classification Sherloc (09022015). Collection method: clinical testing. Allele origin: germline.

GeneDx
Classification: Likely benign. Last evaluated: 2016-08-30. Review status: criteria provided, single submitter. Criteria: GeneDx Variant Classification (06012015). Collection method: clinical testing. Allele origin: germline. Affected: yes.
Comment: This variant is considered likely benign or benign based on one or more of the following criteria: it is a conservative change, it occurs at a poorly conserved position in the protein, it is predicted to be benign by multiple in silico algorithms, and/or has population frequency not consistent with disease.

NM_001037.5(SCN1B):c.41-14T>C

Gene: SCN1B (sodium voltage-gated channel beta subunit 1; plus strand). Cytogenetic location: 19q13.11.
Variant type: single nucleotide variant.
Coding change: c.41-14T>C on transcript NM_001037.5 (MANE Select); 14 bases into the intron before coding-DNA position 41, T replaced by C.
Molecular consequence: intron variant.
Genome position (GRCh38, 1-based): chr19:35,032,514, T>C. VCF-style: chr19-35032514-T-C. GRCh37 (hg19) VCF-style: chr19-35523418-T-C.
Other names: c.41-14T>C (NM_199037.5); c.-59-14T>C (NM_001321605.2).
Identifiers: ClinVar variation 389055 (VCV000389055.10), dbSNP rs778258172, ClinGen allele CA9371943.